The following is an entry in ClinVar:

NC_000007.14:g.(?_142749475)_(142753030_?)dup

Genes: TRB (T cell receptor beta locus; plus strand), PRSS1 (serine protease 1; plus strand). Cytogenetic location: 7q34.
Variant type: Duplication.
Identifiers: ClinVar variation 831250 (VCV000831250.1).

ClinVar aggregate classification (germline): Likely pathogenic (1 of 4 stars; one submission).

Conditions:
Hereditary pancreatitis (PCTT). Also called: Hereditary chronic pancreatitis; PRSS1-Related Hereditary Pancreatitis. Identifiers: Orphanet 676, MedGen C0238339, MONDO:0008185, OMIM 167800.

Submission:

Labcorp Genetics (formerly Invitae), Labcorp
Classification: Likely pathogenic for Hereditary pancreatitis. Last evaluated: 2019-04-22. Review status: criteria provided, single submitter. Criteria: Invitae Variant Classification Sherloc (09022015). Collection method: clinical testing. Allele origin: germline.
Comment: A gross duplication of the genomic region encompassing the full coding sequence of the PRSS1 gene has been identified. The boundaries of this event are unknown as the duplication extends beyond the assayed region for this gene and therefore may encompass additional genes. As the precise location of this duplication is unknown, it may be in tandem or it may be located elsewhere in the genome. Duplications and triplications of the whole PRSS1 sequence have been reported in individuals affected with idiopathic chronic pancreatitis (PMID: 18063422, 19584086). An increased expression of trypsinogen resulting from an increased gene dosage of PRSS1 is consistent with the current understanding of the role of trypsin in the etiology of chronic pancreatitis. However, the exact genomic location of this variant is unknown, and, consequently, it is not known whether the duplicated copy is expressed. Therefore, it has been classified as Likely Pathogenic.

Literature cited by the submitters: PubMed 18063422; PubMed 19584086.